The following is an entry in ClinVar:

ClinVar aggregate classification (germline): Uncertain significance (1 of 4 stars; one submission).

Conditions:
Ataxia-telangiectasia syndrome (AT). Also called: Cerebello-oculocutaneous telangiectasia; Immunodeficiency with ataxia telangiectasia; Ataxia-telangiectasia, complementation group E; LOUIS-BAR SYNDROME; AT, COMPLEMENTATION GROUP C; ATAXIA-TELANGIECTASIA, COMPLEMENTATION GROUP A. Identifiers: Orphanet 100, MedGen C0004135, MONDO:0008840, OMIM 208900.

Submission:

Labcorp Genetics (formerly Invitae), Labcorp
Classification: Uncertain significance for Ataxia-telangiectasia syndrome. Last evaluated: 2025-11-24. Review status: criteria provided, single submitter. Criteria: Invitae Variant Classification Sherloc (09022015). Collection method: clinical testing. Allele origin: germline.
Comment: This variant, c.3244_3282dup, results in the insertion of 13 amino acid(s) of the ATM protein (p.His1082_Asn1094dup), but otherwise preserves the integrity of the reading frame. This variant is not present in population databases (gnomAD no frequency). This variant has not been reported in the literature in individuals affected with ATM-related conditions. In summary, the available evidence is currently insufficient to determine the role of this variant in disease. Therefore, it has been classified as a Variant of Uncertain Significance.

NM_000051.4(ATM):c.3244_3282dup (p.Asn1094_Arg1095insHisHisGlnValArgMetLeuAlaAlaGluSerIleAsn)

Gene: ATM (ATM serine/threonine kinase; plus strand). Cytogenetic location: 11q22.3.
Variant type: Duplication.
Coding change: c.3244_3282dup on transcript NM_000051.4 (MANE Select); coding-DNA positions 3244 to 3282, 39 bases duplicated.
Protein change: p.Asn1094_Arg1095insHisHisGlnValArgMetLeuAlaAlaGluSerIleAsn.
Molecular consequence: inframe insertion.
Genome position (GRCh38, 1-based): chr11:108,272,812-108,272,850, 39 bases duplicated; duplicating any 39 consecutive bases within chr11:108,272,808-108,272,850 gives the same sequence; the c. name uses the placement nearest the transcript's 3' end. GRCh37 (hg19): chr11:108,143,539-108,143,577.
Other names: c.3244_3282dup, p.Asn1094_Arg1095insHisHisGlnValArgMetLeuAlaAlaGluSerIleAsn (NM_001351834.2).
Identifiers: ClinVar variation 4731844 (VCV004731844.1).
Genomic context (GRCh38, chr11:108,272,807, plus strand): 5'-TTCTTAATGTAATGGGAAAAGACTTTCCTGTAAATGAAGTATTTACACAATTTCTTGCTG[A>ACAATCATCACCAAGTTCGCATGTTGGCTGCAGAGTCAAT]CAATCATCACCAAGTTCGCATGTTGGCTGCAGAGTCAATCAATAGGTAATGGGTCAAATA-3'